The following is an entry in ClinVar:

NM_004530.6(MMP2):c.1081G>T (p.Glu361Ter)

Gene: MMP2 (matrix metallopeptidase 2; plus strand). Cytogenetic location: 16q12.2.
Variant type: single nucleotide variant.
Coding change: c.1081G>T on transcript NM_004530.6 (MANE Select); coding-DNA position 1081, G replaced by T.
Protein change: p.Glu361Ter; replaces glutamic acid 361 with a stop codon.
Molecular consequence: nonsense.
Genome position (GRCh38, 1-based): chr16:55,489,725, G>T. VCF-style: chr16-55489725-G-T. GRCh37 (hg19) VCF-style: chr16-55523637-G-T.
Other names: c.931G>T, p.Glu311Ter (NM_001127891.3); c.853G>T, p.Glu285Ter (NM_001302508.1, NM_001302509.2, NM_001302510.2); short protein forms E285*, E311*, E361*.
Identifiers: ClinVar variation 3003362 (VCV003003362.3), dbSNP rs1962353336, ClinGen allele CA395936249.

ClinVar aggregate classification (germline): Pathogenic (1 of 4 stars; one submission).

Allele frequency attached by ClinVar (database versions not stated): TOPMed below 0.00001.
gnomAD v4.1: 3 of 1,614,038 alleles (0.00019%); highest among the groups gnomAD compares: Admixed American, 0.0017%; no homozygotes.

Submission:

Labcorp Genetics (formerly Invitae), Labcorp
Classification: Pathogenic. Last evaluated: 2024-07-31. Review status: criteria provided, single submitter. Criteria: Invitae Variant Classification Sherloc (09022015). Collection method: clinical testing. Allele origin: germline.
Comment: This sequence change creates a premature translational stop signal (p.Glu361*) in the MMP2 gene. It is expected to result in an absent or disrupted protein product. Loss-of-function variants in MMP2 are known to be pathogenic (PMID: 26601801). This variant is not present in population databases (gnomAD no frequency). This variant has not been reported in the literature in individuals affected with MMP2-related conditions. Algorithms developed to predict the effect of sequence changes on RNA splicing suggest that this variant may disrupt the consensus splice site. For these reasons, this variant has been classified as Pathogenic.

Literature cited by the submitters: PubMed 26601801.